The following is an entry in ClinVar:

ClinVar aggregate classification (germline): Conflicting classifications of pathogenicity. Review status: criteria provided, conflicting classifications (1 of 4 stars). 2 submissions from 2 submitters: Uncertain significance (1); Likely benign (1). Last evaluated 2018-05-21.

Conditions:
Autosomal recessive nonsyndromic hearing loss 29. Identifiers: Orphanet 90636, MedGen C3279660, MONDO:0013537, OMIM 614035.

Allele frequency attached by ClinVar (database versions not stated): gnomAD 0.00008; TOPMed 0.00010; ExAC 0.00039.
gnomAD v4.1: 112 of 1,539,856 alleles (0.0073%); highest among the groups gnomAD compares: South Asian, 0.0096%; 1 homozygote.

Submissions (2):

GeneDx
Classification: Likely benign. Last evaluated: 2018-05-21. Review status: criteria provided, single submitter. Criteria: GeneDx Variant Classification (06012015). Collection method: clinical testing. Allele origin: germline. Affected: yes.
Comment: This variant is considered likely benign or benign based on one or more of the following criteria: it is a conservative change, it occurs at a poorly conserved position in the protein, it is predicted to be benign by multiple in silico algorithms, and/or has population frequency not consistent with disease.

Illumina Laboratory Services, Illumina
Classification: Uncertain significance for Autosomal recessive nonsyndromic hearing loss 29. Last evaluated: 2018-01-13. Review status: criteria provided, single submitter. Criteria: ICSL Variant Classification Criteria 13 December 2019. Collection method: clinical testing. Allele origin: germline.

NM_001146079.2(CLDN14):c.-46G>A

Genes: CLDN14-AS1 (CLDN14 antisense RNA 1; plus strand), CLDN14 (claudin 14; minus strand). Cytogenetic location: 21q22.13.
Variant type: single nucleotide variant.
Coding change: c.-46G>A on transcript NM_001146079.2 (MANE Select); 46 bases upstream of the start codon, G replaced by A.
Molecular consequence: 5 prime UTR variant.
Genome position (GRCh38, 1-based): chr21:36,461,741, C>T on the plus strand (G>A on the coding strand, the complement: CLDN14 is on the minus strand). VCF-style: chr21-36461741-C-T. GRCh37 (hg19) VCF-style: chr21-37834039-C-T.
Other names: c.-46G>A (NM_001146077.2, NM_001146078.3, NM_012130.4 and 1 more transcripts).
Identifiers: ClinVar variation 339893 (VCV000339893.6), dbSNP rs779699092, ClinGen allele CA10019363.